The following is an entry in ClinVar:

NM_182493.3(MYLK3):c.953_971dup (p.Thr325fs)

Gene: MYLK3 (myosin light chain kinase 3; minus strand). Cytogenetic location: 16q11.2.
Variant type: Duplication.
Coding change: c.953_971dup on transcript NM_182493.3 (MANE Select); coding-DNA positions 953 to 971, 19 bases duplicated (TGCCAGCCCAGGCCAGGGC).
Protein change: p.Thr325fs; shifts the reading frame from threonine 325.
Molecular consequence: frameshift variant. On other transcripts: intron variant (1).
Genome position (GRCh38, 1-based): chr16:46,737,741-46,737,759, GCCCTGGCCTGGGCTGGCA duplicated on the plus strand (TGCCAGCCCAGGCCAGGGC on the coding strand, the reverse complement: MYLK3 is on the minus strand); duplicating any 19 consecutive bases within chr16:46,737,741-46,737,766 gives the same sequence; the c. name uses the placement nearest the transcript's 3' end. VCF-style (leftmost placement, unchanged base first): chr16-46737740-T-TGCCCTGGCCTGGGCTGGCA. GRCh37 (hg19) VCF-style: chr16-46771652-T-TGCCCTGGCCTGGGCTGGCA.
Other names: c.-23+2298_-23+2316dup (NM_001308301.1); short protein forms T325fs.
Identifiers: ClinVar variation 1996142 (VCV001996142.4), dbSNP rs2548907892, ClinGen allele CA2580091555.

ClinVar aggregate classification (germline): Uncertain significance (1 of 4 stars; one submission).

Submission:

Labcorp Genetics (formerly Invitae), Labcorp
Classification: Uncertain significance. Last evaluated: 2022-05-18. Review status: criteria provided, single submitter. Criteria: Invitae Variant Classification Sherloc (09022015). Collection method: clinical testing. Allele origin: germline.
Comment: This variant has not been reported in the literature in individuals affected with MYLK3-related conditions. In summary, the available evidence is currently insufficient to determine the role of this variant in disease. Therefore, it has been classified as a Variant of Uncertain Significance. This variant is not present in population databases (gnomAD no frequency). This sequence change creates a premature translational stop signal (p.Thr325Alafs*70) in the MYLK3 gene. It is expected to result in an absent or disrupted protein product. However, the current clinical and genetic evidence is not sufficient to establish whether loss-of-function variants in MYLK3 cause disease.